The following is an entry in ClinVar:

ClinVar aggregate classification (germline): Uncertain significance. Review status: criteria provided, multiple submitters, no conflicts (2 of 4 stars). 3 submissions from 3 submitters: Uncertain significance (3). Last evaluated 2026-06-18.

Conditions:
Inborn genetic diseases. Identifiers: MedGen C0950123, MeSH D030342.

Allele frequency attached by ClinVar (database versions not stated): gnomAD 0.00001; TOPMed 0.00001; ESP Exome Variant Server 0.00008.
gnomAD v4.1: 7 of 1,614,054 alleles (0.00043%); highest among the groups gnomAD compares: Non-Finnish European, 0.00059%; no homozygotes.

Submissions (3):

Women's Health and Genetics/Laboratory Corporation of America, LabCorp
Classification: Uncertain significance. Last evaluated: 2026-06-18. Review status: criteria provided, single submitter. Criteria: LabCorp Variant Classification Summary - May 2015. Collection method: clinical testing. Allele origin: germline.
Comment: Variant summary: DLL1 c.1162G>A (p.Gly388Arg) results in a non-conservative amino acid change in the encoded protein sequence. Algorithms developed to predict the effect of missense changes on protein structure and function all suggest that this variant is likely to be disruptive. The variant allele was found at a frequency of 4e-06 in 251408 control chromosomes. The available data on variant occurrences in the general population are insufficient to allow any conclusion about variant significance. To our knowledge, no occurrence of c.1162G>A in individuals affected with DLL1-related conditions and no experimental evidence demonstrating its impact on protein function have been reported. ClinVar contains an entry for this variant (Variation ID: 2992196). Based on the evidence outlined above, the variant was classified as uncertain significance.

Ambry Genetics
Classification: Uncertain significance for Inborn genetic diseases. Last evaluated: 2025-11-05. Review status: criteria provided, single submitter. Criteria: Ambry Variant Classification Scheme 2023. Collection method: clinical testing. Allele origin: germline.
Comment: The c.1162G>A (p.G388R) alteration is located in exon 8 (coding exon 8) of the DLL1 gene. This alteration results from a G to A substitution at nucleotide position 1162, causing the glycine (G) at amino acid position 388 to be replaced by an arginine (R). Based on data from gnomAD, the A allele has an overall frequency of <0.001% (1/251408) total alleles studied. The highest observed frequency was 0.001% (1/113714) of European (non-Finnish) alleles. Based on insufficient or conflicting evidence, the clinical significance of this alteration remains unclear.

Labcorp Genetics (formerly Invitae), Labcorp
Classification: Uncertain significance. Last evaluated: 2023-07-29. Review status: criteria provided, single submitter. Criteria: Invitae Variant Classification Sherloc (09022015). Collection method: clinical testing. Allele origin: germline.
Comment: This sequence change replaces glycine, which is neutral and non-polar, with arginine, which is basic and polar, at codon 388 of the DLL1 protein (p.Gly388Arg). This variant is present in population databases (rs368711596, gnomAD 0.0009%). This variant has not been reported in the literature in individuals affected with DLL1-related conditions. An algorithm developed to predict the effect of missense changes on protein structure and function (PolyPhen-2) suggests that this variant is likely to be disruptive. In summary, the available evidence is currently insufficient to determine the role of this variant in disease. Therefore, it has been classified as a Variant of Uncertain Significance.

NM_005618.4(DLL1):c.1162G>A (p.Gly388Arg)

Gene: DLL1 (delta like canonical Notch ligand 1; minus strand). Cytogenetic location: 6q27.
Variant type: single nucleotide variant.
Coding change: c.1162G>A on transcript NM_005618.4 (MANE Select); coding-DNA position 1162, G replaced by A.
Protein change: p.Gly388Arg; replaces glycine 388 with arginine.
Molecular consequence: missense variant.
Genome position (GRCh38, 1-based): chr6:170,285,006, C>T on the plus strand (G>A on the coding strand, the complement: DLL1 is on the minus strand). VCF-style: chr6-170285006-C-T. GRCh37 (hg19) VCF-style: chr6-170594094-C-T.
Other names: c.1162G>A (NM_005618.3); short protein forms G388R.
Identifiers: ClinVar variation 2992196 (VCV002992196.5), dbSNP rs368711596, ClinGen allele CA152191975.